The following is an entry in ClinVar:

NM_001384732.1(CPLANE1):c.8924A>G (p.Gln2975Arg)

Gene: CPLANE1 (ciliogenesis and planar polarity effector complex subunit 1; minus strand). Cytogenetic location: 5p13.2.
Variant type: single nucleotide variant.
Coding change: c.8924A>G on transcript NM_001384732.1 (MANE Select); coding-DNA position 8924, A replaced by G.
Protein change: p.Gln2975Arg; replaces glutamine 2975 with arginine.
Molecular consequence: missense variant.
Genome position (GRCh38, 1-based): chr5:37,125,278, T>C on the plus strand (A>G on the coding strand, the complement: CPLANE1 is on the minus strand). VCF-style: chr5-37125278-T-C. GRCh37 (hg19) VCF-style: chr5-37125380-T-C.
Other names: c.8762A>G, p.Gln2921Arg (NM_023073.4); short protein forms Q2975R, Q2921R.
Identifiers: ClinVar variation 1450627 (VCV001450627.7), dbSNP rs866590257, ClinGen allele CA117059156.

ClinVar aggregate classification (germline): Uncertain significance. Review status: criteria provided, multiple submitters, no conflicts (2 of 4 stars). 2 submissions from 2 submitters: Uncertain significance (2). Last evaluated 2021-12-03.

Allele frequency attached by ClinVar (database versions not stated): gnomAD exomes below 0.00001.
gnomAD v4.1: 3 of 1,614,064 alleles (0.00019%); highest among the groups gnomAD compares: African/African-American, 0.0027%; no homozygotes.

Submissions (2):

Blueprint Genetics
Classification: Uncertain significance. Last evaluated: 2021-12-03. Review status: criteria provided, single submitter. Criteria: ACMG Guidelines, 2015. Collection method: clinical testing. Allele origin: germline.

Labcorp Genetics (formerly Invitae), Labcorp
Classification: Uncertain significance. Last evaluated: 2021-10-28. Review status: criteria provided, single submitter. Criteria: Invitae Variant Classification Sherloc (09022015). Collection method: clinical testing. Allele origin: germline.
Comment: In summary, the available evidence is currently insufficient to determine the role of this variant in disease. Therefore, it has been classified as a Variant of Uncertain Significance. Advanced modeling of protein sequence and biophysical properties (such as structural, functional, and spatial information, amino acid conservation, physicochemical variation, residue mobility, and thermodynamic stability) performed at Invitae indicates that this missense variant is not expected to disrupt CPLANE1 protein function. This variant has not been reported in the literature in individuals affected with CPLANE1-related conditions. This variant is not present in population databases (gnomAD no frequency). This sequence change replaces glutamine, which is neutral and polar, with arginine, which is basic and polar, at codon 2921 of the CPLANE1 protein (p.Gln2921Arg).